The following is an entry in ClinVar:

ClinVar aggregate classification (germline): Uncertain significance (1 of 4 stars; one submission).

Allele frequency attached by ClinVar (database versions not stated): gnomAD exomes below 0.00001.
gnomAD v4.1: 3 of 1,612,994 alleles (0.00019%); highest among the groups gnomAD compares: Admixed American, 0.0033%; no homozygotes.

Submission:

Labcorp Genetics (formerly Invitae), Labcorp
Classification: Uncertain significance. Last evaluated: 2022-04-22. Review status: criteria provided, single submitter. Criteria: Invitae Variant Classification Sherloc (09022015). Collection method: clinical testing. Allele origin: germline.
Comment: This sequence change replaces histidine, which is basic and polar, with asparagine, which is neutral and polar, at codon 64 of the TTLL5 protein (p.His64Asn). This variant is not present in population databases (gnomAD no frequency). This variant has not been reported in the literature in individuals affected with TTLL5-related conditions. Algorithms developed to predict the effect of missense changes on protein structure and function (SIFT, PolyPhen-2, Align-GVGD) all suggest that this variant is likely to be tolerated. In summary, the available evidence is currently insufficient to determine the role of this variant in disease. Therefore, it has been classified as a Variant of Uncertain Significance.

NM_015072.5(TTLL5):c.190C>A (p.His64Asn)

Gene: TTLL5 (tubulin tyrosine ligase like 5; plus strand). Cytogenetic location: 14q24.3.
Variant type: single nucleotide variant.
Coding change: c.190C>A on transcript NM_015072.5 (MANE Select); coding-DNA position 190, C replaced by A.
Protein change: p.His64Asn; replaces histidine 64 with asparagine.
Molecular consequence: missense variant.
Genome position (GRCh38, 1-based): chr14:75,681,553, C>A. VCF-style: chr14-75681553-C-A. GRCh37 (hg19) VCF-style: chr14-76147896-C-A.
Other names: short protein forms H64N.
Identifiers: ClinVar variation 1406317 (VCV001406317.3), dbSNP rs1045431257, ClinGen allele CA263670898.